The following is an entry in ClinVar:

ClinVar aggregate classification (germline): Uncertain significance (1 of 4 stars; one submission).

Allele frequency attached by ClinVar (database versions not stated): gnomAD 0.00001; gnomAD exomes 0.00001; TOPMed 0.00001.

Submission:

Labcorp Genetics (formerly Invitae), Labcorp
Classification: Uncertain significance. Last evaluated: 2024-07-29. Review status: criteria provided, single submitter. Criteria: Invitae Variant Classification Sherloc (09022015). Collection method: clinical testing. Allele origin: germline.
Comment: This sequence change replaces methionine, which is neutral and non-polar, with threonine, which is neutral and polar, at codon 233 of the SPPL2A protein (p.Met233Thr). This variant is not present in population databases (gnomAD no frequency). This variant has not been reported in the literature in individuals affected with SPPL2A-related conditions. ClinVar contains an entry for this variant (Variation ID: 2146618). An algorithm developed to predict the effect of missense changes on protein structure and function (PolyPhen-2) suggests that this variant is likely to be disruptive. In summary, the available evidence is currently insufficient to determine the role of this variant in disease. Therefore, it has been classified as a Variant of Uncertain Significance.

NM_032802.4(SPPL2A):c.698T>C (p.Met233Thr)

Gene: SPPL2A (signal peptide peptidase like 2A; minus strand). Cytogenetic location: 15q21.2.
Variant type: single nucleotide variant.
Coding change: c.698T>C on transcript NM_032802.4 (MANE Select); coding-DNA position 698, T replaced by C.
Protein change: p.Met233Thr; replaces methionine 233 with threonine.
Molecular consequence: missense variant.
Genome position (GRCh38, 1-based): chr15:50,739,715, A>G on the plus strand (T>C on the coding strand, the complement: SPPL2A is on the minus strand). VCF-style: chr15-50739715-A-G. GRCh37 (hg19) VCF-style: chr15-51031912-A-G.
Other names: short protein forms M233T.
Identifiers: ClinVar variation 2146618 (VCV002146618.4), dbSNP rs1259227453, ClinGen allele CA392412487.